The following is an entry in ClinVar:

NM_001369268.1(ACAN):c.1517T>C (p.Val506Ala)

Gene: ACAN (aggrecan; plus strand). Cytogenetic location: 15q26.1.
Variant type: single nucleotide variant.
Coding change: c.1517T>C on transcript NM_001369268.1 (MANE Select); coding-DNA position 1517, T replaced by C.
Protein change: p.Val506Ala; replaces valine 506 with alanine.
Molecular consequence: missense variant.
Genome position (GRCh38, 1-based): chr15:88,847,330, T>C. VCF-style: chr15-88847330-T-C. GRCh37 (hg19) VCF-style: chr15-89390561-T-C.
Other names: c.1517T>C, p.Val506Ala (NM_001135.4, NM_001411096.1, NM_001411097.1 and 1 more transcripts); short protein forms V506A.
Identifiers: ClinVar variation 4773273 (VCV004773273.1).

ClinVar aggregate classification (germline): Uncertain significance (1 of 4 stars; one submission).

Submission:

Labcorp Genetics (formerly Invitae), Labcorp
Classification: Uncertain significance. Last evaluated: 2025-07-02. Review status: criteria provided, single submitter. Criteria: Invitae Variant Classification Sherloc (09022015). Collection method: clinical testing. Allele origin: germline.
Comment: This sequence change replaces valine, which is neutral and non-polar, with alanine, which is neutral and non-polar, at codon 506 of the ACAN protein (p.Val506Ala). This variant is not present in population databases (gnomAD no frequency). This variant has not been reported in the literature in individuals affected with ACAN-related conditions. Invitae Evidence Modeling of protein sequence and biophysical properties (such as structural, functional, and spatial information, amino acid conservation, physicochemical variation, residue mobility, and thermodynamic stability) indicates that this missense variant is not expected to disrupt ACAN protein function with a negative predictive value of 80%. In summary, the available evidence is currently insufficient to determine the role of this variant in disease. Therefore, it has been classified as a Variant of Uncertain Significance.